The following is an entry in ClinVar:

ClinVar aggregate classification (germline): Likely benign. Review status: criteria provided, multiple submitters, no conflicts (2 of 4 stars). 4 submissions from 4 submitters: Likely benign (2). 2 of the submissions do not count toward it. Last evaluated 2025-06-01.

Submissions (4):

CeGaT Center for Human Genetics Tuebingen
Classification: Likely benign. Last evaluated: 2025-06-01. Review status: criteria provided, single submitter. Criteria: CeGaT Center For Human Genetics Tuebingen Variant Classification Criteria Version 2. Collection method: clinical testing. Allele origin: germline. Affected: yes. Observed: 1 variant allele.
Comment: DSPP: PM4, BS1

GeneDx
Classification: Likely benign. Last evaluated: 2018-11-10. Review status: criteria provided, single submitter. Criteria: GeneDx Variant Classification Process June 2021. Collection method: clinical testing. Allele origin: germline. Affected: yes.

Clinical Genetics DNA and cytogenetics Diagnostics Lab, Erasmus MC, Erasmus Medical Center
Classification: Likely benign. Review status: no assertion criteria provided. Collection method: clinical testing. Allele origin: germline. Affected: yes. Study: VKGL Data-share Consensus. Not counted in ClinVar's aggregate classification.

Laboratory of Diagnostic Genome Analysis, Leiden University Medical Center (LUMC)
Classification: Likely benign. Review status: no assertion criteria provided. Collection method: clinical testing. Allele origin: germline. Affected: yes. Study: VKGL Data-share Consensus. Not counted in ClinVar's aggregate classification.

NM_014208.3(DSPP):c.3263_3264insCGATAGCAG (p.1086DSS[3])

Genes: DMP1-AS1 (DMP1 and DSPP antisense RNA 1; minus strand), DSPP (dentin sialophosphoprotein; plus strand). Cytogenetic location: 4q22.1.
Variant type: Insertion.
Coding change: c.3263_3264insCGATAGCAG on transcript NM_014208.3 (MANE Select); coding-DNA positions 3263 to 3264, CGATAGCAG inserted.
Protein change: p.1086DSS[3].
Molecular consequence: inframe insertion.
Genome position: GRCh38 VCF-style: chr4-87615917-T-TGATAGCAGC. GRCh37 (hg19) VCF-style: chr4-88537069-T-TGATAGCAGC.
Identifiers: ClinVar variation 1175629 (VCV001175629.14), dbSNP rs1553904409, ClinGen allele CA3001506.